The following is an entry in ClinVar:

NM_000428.3(LTBP2):c.3991G>A (p.Asp1331Asn)

Gene: LTBP2 (latent transforming growth factor beta binding protein 2; minus strand). Cytogenetic location: 14q24.3.
Variant type: single nucleotide variant.
Coding change: c.3991G>A on transcript NM_000428.3 (MANE Select); coding-DNA position 3991, G replaced by A.
Protein change: p.Asp1331Asn; replaces aspartic acid 1331 with asparagine.
Molecular consequence: missense variant.
Genome position (GRCh38, 1-based): chr14:74,506,740, C>T on the plus strand (G>A on the coding strand, the complement: LTBP2 is on the minus strand). VCF-style: chr14-74506740-C-T. GRCh37 (hg19) VCF-style: chr14-74973443-C-T.
Other names: short protein forms D1331N.
Identifiers: ClinVar variation 1441727 (VCV001441727.5), dbSNP rs140098306, ClinGen allele CA7268921.

ClinVar aggregate classification (germline): Uncertain significance (1 of 4 stars; one submission).

Allele frequency attached by ClinVar (database versions not stated): ESP Exome Variant Server 0.00008; TOPMed 0.00008; gnomAD 0.00010 and 0.00011; gnomAD exomes 0.00011; ExAC 0.00012.
gnomAD v4.1: 248 of 1,613,866 alleles (0.015%); highest among the groups gnomAD compares: Non-Finnish European, 0.019%; no homozygotes.

Submission:

Labcorp Genetics (formerly Invitae), Labcorp
Classification: Uncertain significance. Last evaluated: 2022-07-29. Review status: criteria provided, single submitter. Criteria: Invitae Variant Classification Sherloc (09022015). Collection method: clinical testing. Allele origin: germline.
Comment: This sequence change replaces aspartic acid, which is acidic and polar, with asparagine, which is neutral and polar, at codon 1331 of the LTBP2 protein (p.Asp1331Asn). This variant is present in population databases (rs140098306, gnomAD 0.02%). This variant has not been reported in the literature in individuals affected with LTBP2-related conditions. ClinVar contains an entry for this variant (Variation ID: 1441727). Algorithms developed to predict the effect of missense changes on protein structure and function are either unavailable or do not agree on the potential impact of this missense change (SIFT: "Tolerated"; PolyPhen-2: "Possibly Damaging"; Align-GVGD: "Class C0"). In summary, the available evidence is currently insufficient to determine the role of this variant in disease. Therefore, it has been classified as a Variant of Uncertain Significance.